The following is an entry in ClinVar:

ClinVar aggregate classification (germline): Uncertain significance (1 of 4 stars; one submission).

Allele frequency attached by ClinVar (database versions not stated): gnomAD exomes below 0.00001.
gnomAD v4.1: 2 of 1,593,660 alleles (0.00013%); highest among the groups gnomAD compares: South Asian, 0.0022%; no homozygotes.

Submission:

CeGaT Center for Human Genetics Tuebingen
Classification: Uncertain significance. Last evaluated: 2023-03-01. Review status: criteria provided, single submitter. Criteria: CeGaT Center For Human Genetics Tuebingen Variant Classification Criteria Version 2. Collection method: clinical testing. Allele origin: germline. Affected: yes. Observed: 1 variant allele.
Comment: PLEC: PM2

NM_201384.3(PLEC):c.5987C>T (p.Ala1996Val)

Gene: PLEC (plectin; minus strand). Cytogenetic location: 8q24.3.
Variant type: single nucleotide variant.
Coding change: c.5987C>T on transcript NM_201384.3 (MANE Select); coding-DNA position 5987, C replaced by T.
Protein change: p.Ala1996Val; replaces alanine 1996 with valine.
Molecular consequence: missense variant. On other transcripts: intron variant (1).
Genome position (GRCh38, 1-based): chr8:143,923,942, G>A on the plus strand (C>T on the coding strand, the complement: PLEC is on the minus strand). VCF-style: chr8-143923942-G-A. GRCh37 (hg19) VCF-style: chr8-144998110-G-A.
Other names: c.6068C>T, p.Ala2023Val (NM_000445.5); c.5945C>T, p.Ala1982Val (NM_201378.4); c.5921C>T, p.Ala1974Val (NM_201379.3); c.6398C>T, p.Ala2133Val (NM_201380.4); c.5891C>T, p.Ala1964Val (NM_201381.3); c.5987C>T, p.Ala1996Val (NM_201382.4); c.5999C>T, p.Ala2000Val (NM_201383.3); c.4126-1547C>T (NM_001410941.1); short protein forms A1964V, A1974V, A1982V, A1996V, A2000V, A2023V, A2133V.
Identifiers: ClinVar variation 2658951 (VCV002658951.24), dbSNP rs2537820315, ClinGen allele CA372540258.